The following is an entry in ClinVar:

NM_001367624.2(ZNF469):c.8938G>A (p.Glu2980Lys)

Gene: ZNF469 (zinc finger protein 469; plus strand). Cytogenetic location: 16q24.2.
Variant type: single nucleotide variant.
Coding change: c.8938G>A on transcript NM_001367624.2 (MANE Select); coding-DNA position 8938, G replaced by A.
Protein change: p.Glu2980Lys; replaces glutamic acid 2980 with lysine.
Molecular consequence: missense variant.
Genome position (GRCh38, 1-based): chr16:88,436,408, G>A. VCF-style: chr16-88436408-G-A. GRCh37 (hg19) VCF-style: chr16-88502816-G-A.
Other names: NM_001127464.2:c.8854G>A; NM_001127464.1:c.8854G>A; short protein forms E2980K.
Identifiers: ClinVar variation 1702159 (VCV001702159.5), dbSNP rs746790100, ClinGen allele CA8225389.

ClinVar aggregate classification (germline): Uncertain significance. Review status: criteria provided, multiple submitters, no conflicts (2 of 4 stars). 2 submissions from 2 submitters: Uncertain significance (2). Last evaluated 2024-09-23.

Conditions:
Cardiovascular phenotype. Identifiers: MedGen CN230736.
Ehlers-Danlos syndrome (EDS). Identifiers: Orphanet 98249, MedGen C0013720, MONDO:0020066.

Allele frequency attached by ClinVar (database versions not stated): gnomAD 0.00001; gnomAD exomes 0.00002 and 0.00003; TOPMed 0.00002; ExAC 0.00027.
gnomAD v4.1: 33 of 1,549,340 alleles (0.0021%); highest among the groups gnomAD compares: South Asian, 0.018%; no homozygotes.

Submissions (2):

Ambry Genetics
Classification: Uncertain significance for Cardiovascular phenotype. Last evaluated: 2024-09-23. Review status: criteria provided, single submitter. Criteria: Ambry Variant Classification Scheme 2023. Collection method: clinical testing. Allele origin: germline.
Comment: The p.E2952K variant (also known as c.8854G>A), located in coding exon 2 of the ZNF469 gene, results from a G to A substitution at nucleotide position 8854. The glutamic acid at codon 2952 is replaced by lysine, an amino acid with similar properties. This amino acid position is conserved. In addition, this alteration is predicted to be tolerated by in silico analysis. Based on the available evidence, the clinical significance of this variant remains unclear.

Genome Diagnostics Laboratory, The Hospital for Sick Children
Classification: Uncertain significance for Ehlers-Danlos syndrome. Last evaluated: 2020-12-10. Review status: criteria provided, single submitter. Criteria: ACMG Guidelines, 2015. Collection method: clinical testing. Allele origin: germline.